The following is an entry in ClinVar:

ClinVar aggregate classification (germline): Benign. Review status: criteria provided, multiple submitters, no conflicts (2 of 4 stars). 10 submissions from 10 submitters: Benign (8). 2 of the submissions do not count toward it. Last evaluated 2026-02-01.

Conditions:
Cardiovascular phenotype. Identifiers: MedGen CN230736.
Atrial septal defect 3 (ASD3). Identifiers: Orphanet 1478, MedGen C3279790, MONDO:0013567, OMIM 614089.
Dilated cardiomyopathy 1EE (CMD1EE). Identifiers: Orphanet 154, MedGen C2750466, MONDO:0013198, OMIM 613252.
Hypertrophic cardiomyopathy 14. Identifiers: MedGen C2750467, MONDO:0013197, OMIM 613251.
Hypertrophic cardiomyopathy 1 (CMH1). Also called: Familial hypertrophic cardiomyopathy 1; MYH7-Related Familial Hypertrophic Cardiomyopathy. Identifiers: MedGen C3495498, MONDO:0008647, OMIM 192600.
Sick sinus syndrome 3, susceptibility to (SSS3). Identifiers: Orphanet 166282, MedGen C3279791, MONDO:0013568, OMIM 614090.
Cardiomyopathy (CMYO). Also called: Cardiomyopathies. Identifiers: Orphanet 167848, MedGen C0878544, MONDO:0004994, HP:0001638. Inheritance: Various modes of inheritance.

Allele frequency attached by ClinVar (database versions not stated): gnomAD 0.00344; 1000 Genomes Project 30x 0.00999; ESP Exome Variant Server 0.00031; TOPMed 0.00506; 1000 Genomes Project 0.01138.
gnomAD v4.1: 4,002 of 1,613,426 alleles (0.25%); highest among the groups gnomAD compares: East Asian, 4%; 67 homozygotes.

Submissions (11):

Labcorp Genetics (formerly Invitae), Labcorp
Classification: Benign for Hypertrophic cardiomyopathy 14. Last evaluated: 2026-02-01. Review status: criteria provided, single submitter. Criteria: Invitae Variant Classification Sherloc (09022015). Collection method: clinical testing. Allele origin: germline.

ARUP Laboratories, Molecular Genetics and Genomics, ARUP Laboratories
Classification: Benign. Last evaluated: 2025-04-03. Review status: criteria provided, single submitter. Criteria: ARUP Molecular Germline Variant Investigation Process 2024. Collection method: clinical testing. Allele origin: germline.

Fulgent Genetics
Classification: Benign for Hypertrophic cardiomyopathy 1; Hypertrophic cardiomyopathy 14; Dilated cardiomyopathy 1EE; Atrial septal defect 3; Sick sinus syndrome 3, susceptibility to. Last evaluated: 2021-07-20. Review status: criteria provided, single submitter. Criteria: ACMG Guidelines, 2015. Collection method: clinical testing. Allele origin: unknown.

GeneDx
Classification: Benign. Last evaluated: 2016-11-23. Review status: criteria provided, single submitter. Criteria: GeneDx Variant Classification (06012015). Collection method: clinical testing. Allele origin: germline. Affected: yes.
Comment: This variant is considered likely benign or benign based on one or more of the following criteria: it is a conservative change, it occurs at a poorly conserved position in the protein, it is predicted to be benign by multiple in silico algorithms, and/or has population frequency not consistent with disease.

Ambry Genetics
Classification: Benign for Cardiovascular phenotype. Last evaluated: 2016-05-20. Review status: criteria provided, single submitter. Criteria: Ambry Variant Classification Scheme 2023. Collection method: clinical testing. Allele origin: germline.

CHEO Genetics Diagnostic Laboratory, Children's Hospital of Eastern Ontario
Classification: Benign for Cardiomyopathy. Last evaluated: 2015-10-23. Review status: criteria provided, single submitter. Criteria: ACMG Guidelines, 2015. Collection method: clinical testing. Allele origin: germline. Study: Canadian Open Genetics Repository.

Laboratory for Molecular Medicine, Mass General Brigham Personalized Medicine
Classification: Benign. Last evaluated: 2011-11-30. Review status: criteria provided, single submitter. Criteria: LMM Criteria. Collection method: clinical testing. Allele origin: germline. Observed: 12 variant alleles.

Breakthrough Genomics
Classification: Benign. Review status: criteria provided, single submitter. Criteria: ACMG Guidelines, 2015. Collection method: not provided. Allele origin: germline. Inheritance: Autosomal dominant inheritance. Affected: yes.

Clinical Genetics, Academic Medical Center
Classification: Benign. Review status: no assertion criteria provided. Collection method: clinical testing. Allele origin: germline. Affected: yes. Study: VKGL Data-share Consensus. Not counted in ClinVar's aggregate classification.

Dr. Peter K. Rogan Lab, Western University
No classification provided (evidence only). Condition: Gastric cancer. Review status: no classification provided. Collection method: in vitro. Allele origin: not applicable. Functional consequence: retained intron. Not counted in ClinVar's aggregate classification.

Joint Genome Diagnostic Labs from Nijmegen and Maastricht, Radboudumc and MUMC+
Classification: Benign. Review status: no assertion criteria provided. Collection method: clinical testing. Allele origin: germline. Affected: yes. Study: VKGL Data-share Consensus. Not counted in ClinVar's aggregate classification.

NM_002471.4(MYH6):c.5475G>A (p.Glu1825=)

Gene: MYH6 (myosin heavy chain 6; minus strand). Cytogenetic location: 14q11.2.
Variant type: single nucleotide variant.
Coding change: c.5475G>A on transcript NM_002471.4 (MANE Select); coding-DNA position 5475, G replaced by A.
Protein change: p.Glu1825=; no amino-acid change (glutamic acid 1825 retained).
Molecular consequence: synonymous variant.
Genome position (GRCh38, 1-based): chr14:23,384,532, C>T on the plus strand (G>A on the coding strand, the complement: MYH6 is on the minus strand). VCF-style: chr14-23384532-C-T. GRCh37 (hg19) VCF-style: chr14-23853741-C-T.
Identifiers: ClinVar variation 44537 (VCV000044537.36), dbSNP rs79143968, ClinGen allele CA134478.
Genomic context (GRCh38, chr14:23,384,532, plus strand): 5'-GCTCTTCCTCATGCCCTTCACCGACTCTGCGTTGCGCTTCTGCTCGGCCTCCAGCTCACC[C>T]TCCAGCTCCCGCACCCGCGCTTCCAGCTTCTGCAGCTGCTTCTTGCCTCCCTTGAGGGCG-3'
Protein context (NP_002462.2, residues 1815-1835): QKLEARVREL[Glu1825=]GELEAEQKRN